The following is an entry in ClinVar:

NM_005612.5(REST):c.3241C>T (p.Arg1081Cys)

Gene: REST (RE1 silencing transcription factor; plus strand). Cytogenetic location: 4q12.
Variant type: single nucleotide variant.
Coding change: c.3241C>T on transcript NM_005612.5 (MANE Select); coding-DNA position 3241, C replaced by T.
Protein change: p.Arg1081Cys; replaces arginine 1081 with cysteine.
Molecular consequence: missense variant.
Genome position (GRCh38, 1-based): chr4:56,932,099, C>T. VCF-style: chr4-56932099-C-T. GRCh37 (hg19) VCF-style: chr4-57798265-C-T.
Other names: c.3241C>T, p.Arg1081Cys (NM_001193508.2, NM_001363453.3); short protein forms R1081C.
Identifiers: ClinVar variation 3616294 (VCV003616294.2).

ClinVar aggregate classification (germline): Uncertain significance (1 of 4 stars; one submission).

gnomAD v4.1: 5 of 1,614,052 alleles (0.00031%); highest among the groups gnomAD compares: African/African-American, 0.0013%; no homozygotes.

Submission:

Labcorp Genetics (formerly Invitae), Labcorp
Classification: Uncertain significance. Last evaluated: 2024-10-22. Review status: criteria provided, single submitter. Criteria: Invitae Variant Classification Sherloc (09022015). Collection method: clinical testing. Allele origin: germline.
Comment: This sequence change replaces arginine, which is basic and polar, with cysteine, which is neutral and slightly polar, at codon 1081 of the REST protein (p.Arg1081Cys). This variant is present in population databases (rs745688107, gnomAD 0.004%). This variant has not been reported in the literature in individuals affected with REST-related conditions. An algorithm developed to predict the effect of missense changes on protein structure and function (PolyPhen-2) suggests that this variant is likely to be disruptive. In summary, the available evidence is currently insufficient to determine the role of this variant in disease. Therefore, it has been classified as a Variant of Uncertain Significance.